The following is an entry in ClinVar:

ClinVar aggregate classification (germline): Likely benign. Review status: criteria provided, multiple submitters, no conflicts (2 of 4 stars). 2 submissions from 2 submitters: Likely benign (2). Last evaluated 2026-01-21.

Allele frequency attached by ClinVar (database versions not stated): gnomAD exomes 0.00028 and 0.00021; 1000 Genomes Project 30x 0.00031; gnomAD 0.00034 and 0.00035; TOPMed 0.00036; ExAC 0.00056; ESP Exome Variant Server 0.00078; 1000 Genomes Project 0.00020.
gnomAD v4.1: 353 of 1,559,472 alleles (0.023%); highest among the groups gnomAD compares: Middle Eastern, 0.17%; no homozygotes.

Submissions (2):

Labcorp Genetics (formerly Invitae), Labcorp
Classification: Likely benign. Last evaluated: 2026-01-21. Review status: criteria provided, single submitter. Criteria: Invitae Variant Classification Sherloc (09022015). Collection method: clinical testing. Allele origin: germline.

CeGaT Center for Human Genetics Tuebingen
Classification: Likely benign. Last evaluated: 2022-05-01. Review status: criteria provided, single submitter. Criteria: CeGaT Center For Human Genetics Tuebingen Variant Classification Criteria Version 2. Collection method: clinical testing. Allele origin: germline. Affected: yes. Observed: 1 variant allele.
Comment: VAV1: BP4, BP7

NM_005428.4(VAV1):c.894C>T (p.Ala298=)

Gene: VAV1 (vav guanine nucleotide exchange factor 1; plus strand). Cytogenetic location: 19p13.3.
Variant type: single nucleotide variant.
Coding change: c.894C>T on transcript NM_005428.4 (MANE Select); coding-DNA position 894, C replaced by T.
Protein change: p.Ala298=; no amino-acid change (alanine 298 retained).
Molecular consequence: synonymous variant.
Genome position (GRCh38, 1-based): chr19:6,826,678, C>T. VCF-style: chr19-6826678-C-T. GRCh37 (hg19) VCF-style: chr19-6826689-C-T.
Other names: c.894C>T, p.Ala298= (NM_001258206.2); c.798C>T, p.Ala266= (NM_001258207.2).
Identifiers: ClinVar variation 710978 (VCV000710978.34), dbSNP rs144193852, ClinGen allele CA9132374.